The following is an entry in ClinVar:

ClinVar aggregate classification (germline): Uncertain significance (1 of 4 stars; one submission).

gnomAD v4.1: 32 of 1,536,168 alleles (0.0021%); highest among the groups gnomAD compares: Admixed American, 0.0059%; no homozygotes.

Submission:

Labcorp Genetics (formerly Invitae), Labcorp
Classification: Uncertain significance. Last evaluated: 2024-09-05. Review status: criteria provided, single submitter. Criteria: Invitae Variant Classification Sherloc (09022015). Collection method: clinical testing. Allele origin: germline.
Comment: This sequence change replaces proline, which is neutral and non-polar, with leucine, which is neutral and non-polar, at codon 69 of the GCGR protein (p.Pro69Leu). This variant is present in population databases (rs576194179, gnomAD 0.004%). This variant has not been reported in the literature in individuals affected with GCGR-related conditions. An algorithm developed to predict the effect of missense changes on protein structure and function (PolyPhen-2) suggests that this variant is likely to be disruptive. In summary, the available evidence is currently insufficient to determine the role of this variant in disease. Therefore, it has been classified as a Variant of Uncertain Significance.

NM_000160.5(GCGR):c.206C>T (p.Pro69Leu)

Gene: GCGR (glucagon receptor; plus strand). Cytogenetic location: 17q25.3.
Variant type: single nucleotide variant.
Coding change: c.206C>T on transcript NM_000160.5 (MANE Select); coding-DNA position 206, C replaced by T.
Protein change: p.Pro69Leu; replaces proline 69 with leucine.
Molecular consequence: missense variant.
Genome position (GRCh38, 1-based): chr17:81,810,867, C>T. VCF-style: chr17-81810867-C-T. GRCh37 (hg19) VCF-style: chr17-79768743-C-T.
Other names: short protein forms P69L.
Identifiers: ClinVar variation 3646289 (VCV003646289.2).